The following is an entry in ClinVar:

ClinVar aggregate classification (germline): Uncertain significance (1 of 4 stars; one submission).

Conditions:
Accelerated tumor formation, susceptibility to (ACTFS). Identifiers: MedGen C3280690, OMIM 614401, MONDO:0013733.

Submission:

Labcorp Genetics (formerly Invitae), Labcorp
Classification: Uncertain significance for Accelerated tumor formation, susceptibility to. Last evaluated: 2022-05-17. Review status: criteria provided, single submitter. Criteria: Invitae Variant Classification Sherloc (09022015). Collection method: clinical testing. Allele origin: germline.
Comment: This sequence change replaces histidine, which is basic and polar, with arginine, which is basic and polar, at codon 102 of the MDM2 protein (p.His102Arg). This variant is not present in population databases (gnomAD no frequency). In summary, the available evidence is currently insufficient to determine the role of this variant in disease. Therefore, it has been classified as a Variant of Uncertain Significance. Algorithms developed to predict the effect of missense changes on protein structure and function are either unavailable or do not agree on the potential impact of this missense change (SIFT: "Tolerated"; PolyPhen-2: "Probably Damaging"; Align-GVGD: "Class C0"). This variant has not been reported in the literature in individuals affected with MDM2-related conditions.

NM_002392.6(MDM2):c.305A>G (p.His102Arg)

Gene: MDM2 (MDM2 proto-oncogene; plus strand). Cytogenetic location: 12q15.
Variant type: single nucleotide variant.
Coding change: c.305A>G on transcript NM_002392.6 (MANE Select); coding-DNA position 305, A replaced by G.
Protein change: p.His102Arg; replaces histidine 102 with arginine.
Molecular consequence: missense variant. On other transcripts: intron variant (2).
Genome position (GRCh38, 1-based): chr12:68,816,942, A>G. VCF-style: chr12-68816942-A-G. GRCh37 (hg19) VCF-style: chr12-69210722-A-G.
Other names: c.287A>G, p.His96Arg (NM_001145337.3, NM_001367990.1); c.305A>G, p.His102Arg (NM_001145339.2); c.156+3314A>G (NM_001278462.2, NM_001145340.3); short protein forms H102R, H96R.
Identifiers: ClinVar variation 2123088 (VCV002123088.4), dbSNP rs2499134140, ClinGen allele CA385704326.